The following is an entry in ClinVar:

NM_006767.4(LZTR1):c.1115C>A (p.Thr372Asn)

Gene: LZTR1 (leucine zipper like post translational regulator 1; plus strand). Cytogenetic location: 22q11.21.
Variant type: single nucleotide variant.
Coding change: c.1115C>A on transcript NM_006767.4 (MANE Select); coding-DNA position 1115, C replaced by A.
Protein change: p.Thr372Asn; replaces threonine 372 with asparagine.
Molecular consequence: missense variant.
Genome position (GRCh38, 1-based): chr22:20,992,335, C>A. VCF-style: chr22-20992335-C-A. GRCh37 (hg19) VCF-style: chr22-21346624-C-A.
Other names: short protein forms T372N.
Identifiers: ClinVar variation 1311599 (VCV001311599.3), dbSNP rs1036934148, ClinGen allele CA410782089.

ClinVar aggregate classification (germline): Uncertain significance (1 of 4 stars; one submission).

Submission:

GeneDx
Classification: Uncertain significance. Last evaluated: 2024-01-30. Review status: criteria provided, single submitter. Criteria: GeneDx Variant Classification Process June 2021. Collection method: clinical testing. Allele origin: germline. Affected: yes.
Comment: Not observed at significant frequency in large population cohorts (gnomAD); In silico analysis, which includes protein predictors and evolutionary conservation, supports that this variant does not alter protein structure/function; Has not been previously published as pathogenic or benign to our knowledge